The following is an entry in ClinVar:

NM_002900.3(RBP3):c.1286T>C (p.Val429Ala)

Gene: RBP3 (retinol binding protein 3; plus strand). Cytogenetic location: 10q11.22.
Variant type: single nucleotide variant.
Coding change: c.1286T>C on transcript NM_002900.3 (MANE Select); coding-DNA position 1286, T replaced by C.
Protein change: p.Val429Ala; replaces valine 429 with alanine.
Molecular consequence: missense variant.
Genome position (GRCh38, 1-based): chr10:47,349,770, T>C. VCF-style: chr10-47349770-T-C. GRCh37 (hg19) VCF-style: chr10-48389592-A-G.
Other names: short protein forms V429A.
Identifiers: ClinVar variation 1014927 (VCV001014927.8), dbSNP rs1488357345, ClinGen allele CA376669206.

ClinVar aggregate classification (germline): Uncertain significance. Review status: criteria provided, multiple submitters, no conflicts (2 of 4 stars). 2 submissions from 2 submitters: Uncertain significance (2). Last evaluated 2023-11-16.

Allele frequency attached by ClinVar (database versions not stated): gnomAD exomes below 0.00001 and 0.00001; gnomAD 0.00001; TOPMed 0.00001.
gnomAD v4.1: 16 of 1,613,050 alleles (0.00099%); highest among the groups gnomAD compares: Non-Finnish European, 0.0014%; no homozygotes.

Submissions (2):

Blueprint Genetics
Classification: Uncertain significance. Last evaluated: 2023-11-16. Review status: criteria provided, single submitter. Criteria: ACMG Guidelines, 2015. Collection method: clinical testing. Allele origin: germline.

Labcorp Genetics (formerly Invitae), Labcorp
Classification: Uncertain significance. Last evaluated: 2021-07-17. Review status: criteria provided, single submitter. Criteria: Invitae Variant Classification Sherloc (09022015). Collection method: clinical testing. Allele origin: germline.
Comment: In summary, the available evidence is currently insufficient to determine the role of this variant in disease. Therefore, it has been classified as a Variant of Uncertain Significance. Algorithms developed to predict the effect of missense changes on protein structure and function are either unavailable or do not agree on the potential impact of this missense change (SIFT: "Deleterious"; PolyPhen-2: "Possibly Damaging"; Align-GVGD: "Class C0"). This variant has not been reported in the literature in individuals with RBP3-related conditions. This variant is not present in population databases (ExAC no frequency). This sequence change replaces valine with alanine at codon 429 of the RBP3 protein (p.Val429Ala). The valine residue is moderately conserved and there is a small physicochemical difference between valine and alanine.